The following is an entry in ClinVar:

ClinVar aggregate classification (germline): Benign. Review status: criteria provided, multiple submitters, no conflicts (2 of 4 stars). 2 submissions from 2 submitters: Benign (2). Last evaluated 2018-06-14.

Allele frequency attached by ClinVar (database versions not stated): 1000 Genomes Project 0.06629; 1000 Genomes Project 30x 0.06855; TOPMed 0.07566; gnomAD 0.08532 and 0.08723.
gnomAD v4.1: 36,538 of 368,476 alleles (9.9%); highest among the groups gnomAD compares: South Asian, 17%; 2,258 homozygotes.

Submissions (4):

GeneDx
Classification: Benign. Last evaluated: 2018-06-14. Review status: criteria provided, single submitter. Criteria: GeneDx Variant Classification (06012015). Collection method: clinical testing. Allele origin: germline. Affected: yes.
Comment: This variant is considered likely benign or benign based on one or more of the following criteria: it is a conservative change, it occurs at a poorly conserved position in the protein, it is predicted to be benign by multiple in silico algorithms, and/or has population frequency not consistent with disease.

Breakthrough Genomics
Classification: Benign. Review status: criteria provided, single submitter. Criteria: ACMG Guidelines, 2015. Collection method: not provided. Allele origin: germline. Inheritance: Unknown mechanism. Affected: yes.

Dr. Peter K. Rogan Lab, Western University
No classification provided (evidence only). Condition: Cervical cancer. Review status: no classification provided. Collection method: in vitro. Allele origin: not applicable. Functional consequence: retained intron. Not counted in ClinVar's aggregate classification.

Dr. Peter K. Rogan Lab, Western University
No classification provided (evidence only). Condition: Malignant tumor of esophagus. Review status: no classification provided. Collection method: in vitro. Allele origin: not applicable. Functional consequence: retained intron. Not counted in ClinVar's aggregate classification.

NM_004517.4(ILK):c.-129G>T

Genes: ILK (integrin linked kinase; plus strand), LOC130005200 (ATAC-STARR-seq lymphoblastoid silent region 3104; plus strand). Cytogenetic location: 11p15.4.
Variant type: single nucleotide variant.
Coding change: c.-129G>T on transcript NM_004517.4 (MANE Select); 129 bases upstream of the start codon, G replaced by T.
Molecular consequence: 5 prime UTR variant.
Genome position (GRCh38, 1-based): chr11:6,603,786, G>T. VCF-style: chr11-6603786-G-T. GRCh37 (hg19) VCF-style: chr11-6625016-G-T.
Other names: NC_000011.9:g.6625016G>T; c.-83G>T (NM_001014794.3); c.-486G>T (NM_001014795.3); c.-129G>T (NM_001278441.2); c.-319G>T (NM_001278442.2).
Identifiers: ClinVar variation 671499 (VCV000671499.3), dbSNP rs11607058, ClinGen allele CA217311464.